The following is an entry in ClinVar:

NM_000059.4(BRCA2):c.1572del (p.Met524fs)

Gene: BRCA2 (BRCA2 DNA repair associated; plus strand). Cytogenetic location: 13q13.1.
Variant type: Deletion.
Coding change: c.1572del on transcript NM_000059.4 (MANE Select); coding-DNA position 1572, one base deleted (G; older notation c.1572delG).
Protein change: p.Met524fs; shifts the reading frame from methionine 524.
Molecular consequence: frameshift variant.
Genome position (GRCh38, 1-based): chr13:32,333,050, G deleted. VCF-style (leftmost placement, unchanged base first): chr13-32333049-TG-T. GRCh37 (hg19) VCF-style: chr13-32907186-TG-T.
Other names: 1800delG-ter; c.1572delG (NM_000059.3).
Identifiers: ClinVar variation 51145 (VCV000051145.11), dbSNP rs397507594, ClinGen allele CA012466.

ClinVar aggregate classification (germline): Pathogenic. Review status: reviewed by expert panel (3 of 4 stars). 4 submissions from 4 submitters: Pathogenic (1). 3 of the submissions do not count toward it. Last evaluated 2016-10-18.

Conditions:
Hereditary breast ovarian cancer syndrome. Also called: Hereditary breast and ovarian cancer; Breast and ovarian cancer; Hereditary breast and ovarian cancer syndrome; BRCA1- and BRCA2-Associated Hereditary Breast and Ovarian Cancer; Hereditary breast and ovarian cancer syndrome (HBOC); Hereditary breast and/or ovarian cancer syndrome. Identifiers: Orphanet 145, MedGen C0677776, MeSH D061325, MONDO:0003582. Disease mechanism: loss of function.
Breast-ovarian cancer, familial, susceptibility to, 2 (BROVCA2). Also called: BRCA2 Hereditary Breast and Ovarian Cancer. Identifiers: Orphanet 145, MedGen C2675520, MONDO:0012933, OMIM 612555. Disease mechanism: loss of function.
Familial cancer of breast. Also called: hereditary breast carcinoma; BREAST CANCER, FAMILIAL; Hereditary breast cancer. Identifiers: Orphanet 227535, MedGen C0346153, MONDO:0016419, OMIM 114480. Disease mechanism: loss of function.

Submissions (4):

Evidence-based Network for the Interpretation of Germline Mutant Alleles (ENIGMA)
Classification: Pathogenic for Breast-ovarian cancer, familial, susceptibility to, 2. Last evaluated: 2016-10-18. Review status: reviewed by expert panel. Criteria: ENIGMA BRCA1/2 Classification Criteria (2015). Collection method: curation. Allele origin: germline.
Comment: Variant allele predicted to encode a truncated non-functional protein.

Department of Clinical Genetics, Copenhagen University Hospital, Rigshospitalet
Classification: Pathogenic for Familial cancer of breast. Last evaluated: 2025-12-10. Review status: criteria provided, single submitter. Criteria: ACMG Guidelines, 2015. Collection method: clinical testing. Allele origin: germline. Not counted in ClinVar's aggregate classification.
Comment: The following ACMG criteria has been used: PM2_SUP; PVS1; PM5_Strong (PTC)

Labcorp Genetics (formerly Invitae), Labcorp
Classification: Pathogenic for Hereditary breast ovarian cancer syndrome. Last evaluated: 2024-05-29. Review status: criteria provided, single submitter. Criteria: Invitae Variant Classification Sherloc (09022015). Collection method: clinical testing. Allele origin: germline. Not counted in ClinVar's aggregate classification.
Comment: This sequence change creates a premature translational stop signal (p.Met524Ilefs*34) in the BRCA2 gene. It is expected to result in an absent or disrupted protein product. Loss-of-function variants in BRCA2 are known to be pathogenic (PMID: 20104584). This variant is not present in population databases (gnomAD no frequency). This premature translational stop signal has been observed in individual(s) with BRCA2-related conditions (PMID: 21318380). ClinVar contains an entry for this variant (Variation ID: 51145). For these reasons, this variant has been classified as Pathogenic.

Consortium of Investigators of Modifiers of BRCA1/2 (CIMBA), c/o University of Cambridge
Classification: Pathogenic for Breast-ovarian cancer, familial, susceptibility to, 2. Last evaluated: 2015-10-02. Review status: criteria provided, single submitter. Criteria: CIMBA Mutation Classification guidelines May 2016. Collection method: clinical testing. Allele origin: germline. Not counted in ClinVar's aggregate classification.

Literature cited by the submitters: PubMed 21318380 (cited by Department of Clinical Genetics, Copenhagen University Hospital, Rigshospitalet and Labcorp Genetics (formerly Invitae), Labcorp); PubMed 20104584 (cited by Labcorp Genetics (formerly Invitae), Labcorp).